The following is an entry in ClinVar:

ClinVar aggregate classification (germline): Uncertain significance (1 of 4 stars; one submission).

Conditions:
Malignant hyperthermia, susceptibility to, 1 (MHS1). Also called: Anesthesia related hyperthermia; Malignant hyperpyrexia; Fulminating hyperpyrexia; Pharmacogenic myopathy; Malignant hyperthermia suceptibility 1; RYR1-Related Malignant Hyperthermia Susceptibility. Identifiers: Orphanet 423, MedGen C2930980, MONDO:0007783, OMIM 145600.

Submission:

All of Us Research Program, National Institutes of Health
Classification: Uncertain significance for Malignant hyperthermia, susceptibility to, 1. Last evaluated: 2024-07-20. Review status: criteria provided, single submitter. Criteria: ACMG Guidelines, 2015. Collection method: clinical testing. Allele origin: germline. Inheritance: Autosomal dominant inheritance. Observed: 1 variant allele, 1 heterozygote.
Comment: This missense variant replaces glutamic acid with lysine at codon 3238 of the RYR1 protein. Computational prediction suggests that this variant may not impact protein structure and function (internally defined REVEL score threshold <= 0.5, PMID: 27666373). To our knowledge, functional studies have not been reported for this variant. This variant has not been reported in individuals affected with RYR1-related disorders in the literature. This variant has not been identified in the general population by the Genome Aggregation Database (gnomAD). The available evidence is insufficient to determine the role of this variant in disease conclusively. Therefore, this variant is classified as a Variant of Uncertain Significance.

This study involves interpretation of variants in research participants for the purpose of population health screening. Participant phenotype was not available at the time of variant classification. Additional details can be found in publication PMID: 35346344, PMCID: PMC8962531

NM_000540.3(RYR1):c.9712G>A (p.Glu3238Lys)

Gene: RYR1 (ryanodine receptor 1; plus strand). Cytogenetic location: 19q13.2.
Variant type: single nucleotide variant.
Coding change: c.9712G>A on transcript NM_000540.3 (MANE Select); coding-DNA position 9712, G replaced by A.
Protein change: p.Glu3238Lys; replaces glutamic acid 3238 with lysine.
Molecular consequence: missense variant.
Genome position (GRCh38, 1-based): chr19:38,517,385, G>A. VCF-style: chr19-38517385-G-A. GRCh37 (hg19) VCF-style: chr19-39008025-G-A.
Other names: c.9712G>A, p.Glu3238Lys (NM_001042723.2); short protein forms E3238K.
Identifiers: ClinVar variation 3385509 (VCV003385509.1).
Genomic context (GRCh38, chr19:38,517,385, plus strand): 5'-CTTGACATTCCCTGCCCCCGTCCCTGTACCCCAGTCCTGGGGCTCCCCAACAGTGTGGAG[G>A]AGATGTGTCCCGACATCCCGGTGCTGGAGCGGCTCATGGCAGACATTGGGGGGCTGGCCG-3'
Protein context (NP_000531.2, residues 3228-3248): AILGLPNSVE[Glu3238Lys]MCPDIPVLER